The following is an entry in ClinVar:

NM_207122.2(EXT2):c.1719G>C (p.Trp573Cys)

Gene: EXT2 (exostosin glycosyltransferase 2; plus strand). Cytogenetic location: 11p11.2.
Variant type: single nucleotide variant.
Coding change: c.1719G>C on transcript NM_207122.2 (MANE Select); coding-DNA position 1719, G replaced by C.
Protein change: p.Trp573Cys; replaces tryptophan 573 with cysteine.
Molecular consequence: missense variant.
Genome position (GRCh38, 1-based): chr11:44,232,409, G>C. VCF-style: chr11-44232409-G-C. GRCh37 (hg19) VCF-style: chr11-44253959-G-C.
Other names: c.1719G>C, p.Trp573Cys (NM_001389630.1, NM_001389628.1); c.1818G>C, p.Trp606Cys (NM_000401.3); c.1749G>C, p.Trp583Cys (NM_001178083.3); short protein forms W573C, W583C, W606C.
Identifiers: ClinVar variation 1986545 (VCV001986545.4), dbSNP rs1194123979, ClinGen allele CA380182921.

ClinVar aggregate classification (germline): Uncertain significance (1 of 4 stars; one submission).

Conditions:
Exostoses, multiple, type 2 (EXT2). Also called: Hereditary Multiple Osteochondromatosis, Type II; EXOSTOSES, MULTIPLE, TYPE II. Identifiers: Orphanet 321, MedGen C1851413, MONDO:0007586, OMIM 133701.

gnomAD v4.1: 1 of 1,614,042 alleles (0.000062%); no homozygotes.

Submission:

Labcorp Genetics (formerly Invitae), Labcorp
Classification: Uncertain significance for Exostoses, multiple, type 2. Last evaluated: 2022-04-29. Review status: criteria provided, single submitter. Criteria: Invitae Variant Classification Sherloc (09022015). Collection method: clinical testing. Allele origin: germline.
Comment: In summary, the available evidence is currently insufficient to determine the role of this variant in disease. Therefore, it has been classified as a Variant of Uncertain Significance. Algorithms developed to predict the effect of missense changes on protein structure and function are either unavailable or do not agree on the potential impact of this missense change (SIFT: "Deleterious"; PolyPhen-2: "Probably Damaging"; Align-GVGD: "Class C0"). This variant has not been reported in the literature in individuals affected with EXT2-related conditions. This variant is not present in population databases (gnomAD no frequency). This sequence change replaces tryptophan, which is neutral and slightly polar, with cysteine, which is neutral and slightly polar, at codon 573 of the EXT2 protein (p.Trp573Cys).